The following is an entry in ClinVar:

ClinVar aggregate classification (germline): Pathogenic/Likely pathogenic. Review status: criteria provided, multiple submitters, no conflicts (2 of 4 stars). 2 submissions from 2 submitters: Pathogenic (1); Likely pathogenic (1). Last evaluated 2025-01-15.

Conditions:
Usher syndrome type 2A. Also called: RETINAL DISEASE IN USHER SYNDROME TYPE IIA, MODIFIER OF; USHER SYNDROME, TYPE IIA. Identifiers: Orphanet 231178, Orphanet 886, MedGen C1848634, MONDO:0010169, OMIM 276901.

Submissions (2):

Labcorp Genetics (formerly Invitae), Labcorp
Classification: Pathogenic. Last evaluated: 2025-01-15. Review status: criteria provided, single submitter. Criteria: Invitae Variant Classification Sherloc (09022015). Collection method: clinical testing. Allele origin: germline.
Comment: This variant, c.6225_6227del, is a complex sequence change that results in the deletion of 2 and insertion of 1 amino acid(s) in the USH2A protein (p.Trp2075_Asn2076delinsCys). This variant is not present in population databases (gnomAD no frequency). This variant has not been reported in the literature in individuals affected with USH2A-related conditions. ClinVar contains an entry for this variant (Variation ID: 2971025). Experimental studies and prediction algorithms are not available or were not evaluated, and the functional significance of this variant is currently unknown. This variant disrupts a region of the USH2A protein in which other variant(s) (p.Trp2075Cys) have been determined to be pathogenic (PMID: 27460420, 29953849; internal data). This suggests that this is a clinically significant region of the protein, and that variants that disrupt it are likely to be disease-causing. For these reasons, this variant has been classified as Pathogenic.

Natera, Inc.
Classification: Likely pathogenic for Usher syndrome type 2A. Last evaluated: 2024-10-18. Review status: criteria provided, single submitter. Criteria: Natera Variant Classification Schema (03/2026). Collection method: clinical testing. Allele origin: germline.
Comment: The c.6225_6227del variant in USH2A is an in-frame deletion. This variant is rare in the general population with a frequency below the threshold expected for the associated phenotype(s). This variant results in a change to the protein length while preserving reading frame, which may disrupt normal protein structure or function. A different variant at the same position has been determined to be Pathogenic or Likely Pathogenic. Given the available evidence, this variant is classified as Likely Pathogenic.

Literature cited by the submitters: PubMed 27460420 (cited by Labcorp Genetics (formerly Invitae), Labcorp); PubMed 29953849 (cited by Labcorp Genetics (formerly Invitae), Labcorp).

NM_206933.4(USH2A):c.6225_6227del (p.Trp2075_Asn2076delinsCys)

Gene: USH2A (usherin; minus strand). Cytogenetic location: 1q41.
Variant type: Deletion.
Coding change: c.6225_6227del on transcript NM_206933.4 (MANE Select); coding-DNA positions 6225 to 6227, 3 bases deleted (GAA; older notation c.6225_6227delGAA).
Protein change: p.Trp2075_Asn2076delinsCys.
Molecular consequence: inframe indel.
Genome position (GRCh38, 1-based): chr1:216,046,529-216,046,531, TTC deleted on the plus strand (GAA on the coding strand, the reverse complement: USH2A is on the minus strand). VCF-style (leftmost placement, unchanged base first): chr1-216046528-GTTC-G. GRCh37 (hg19) VCF-style: chr1-216219870-GTTC-G.
Other names: c.6225_6227del (NM_206933.2).
Identifiers: ClinVar variation 2971025 (VCV002971025.4), dbSNP rs2527720449, ClinGen allele CA2740090493.